The following is an entry in ClinVar:

NM_000038.6(APC):c.4487C>G (p.Thr1496Ser)

Gene: APC (APC regulator of Wnt signaling pathway; plus strand). Cytogenetic location: 5q22.2.
Variant type: single nucleotide variant.
Coding change: c.4487C>G on transcript NM_000038.6 (MANE Select); coding-DNA position 4487, C replaced by G.
Protein change: p.Thr1496Ser; replaces threonine 1496 with serine.
Molecular consequence: missense variant.
Genome position (GRCh38, 1-based): chr5:112,840,081, C>G. VCF-style: chr5-112840081-C-G. GRCh37 (hg19) VCF-style: chr5-112175778-C-G.
Other names: c.4487C>G, p.Thr1496Ser (NM_001127510.3, NM_001354895.2); c.4433C>G, p.Thr1478Ser (NM_001127511.3); c.4541C>G, p.Thr1514Ser (NM_001354896.2); c.4517C>G, p.Thr1506Ser (NM_001354897.2); c.4412C>G, p.Thr1471Ser (NM_001354898.2); c.4403C>G, p.Thr1468Ser (NM_001354899.2); c.4364C>G, p.Thr1455Ser (NM_001354900.2); c.4310C>G, p.Thr1437Ser (NM_001354901.2); and 5 more; short protein forms T1478S, T1496S, T1336S, T1468S, T1405S, T1213S, T1395S, T1437S.
Identifiers: ClinVar variation 490277 (VCV000490277.22), dbSNP rs2229996, ClinGen allele CA039198.
Genomic context (GRCh38, chr5:112,840,081, plus strand): 5'-TTCAGAGGGTCCAGGTTCTTCCAGATGCTGATACTTTATTACATTTTGCCACGGAAAGTA[C>G]TCCAGATGGATTTTCTTGTTCATCCAGCCTGAGTGCTCTGAGCCTCGATGAGCCATTTAT-3'
Protein context (NP_000029.2, residues 1486-1506): DTLLHFATES[Thr1496Ser]PDGFSCSSSL

ClinVar aggregate classification (germline): Conflicting classifications of pathogenicity. Review status: criteria provided, conflicting classifications (1 of 4 stars). 4 submissions from 4 submitters: Likely pathogenic (1); Uncertain significance (2); Likely benign (1). Last evaluated 2025-12-08.

Conditions:
Familial adenomatous polyposis 1 (FAP1). Also called: POLYPOSIS, ADENOMATOUS INTESTINAL; FAMILIAL ADENOMATOUS POLYPOSIS 1, ATTENUATED. Identifiers: MedGen C2713442, MONDO:0021056, OMIM 175100. Disease mechanism: loss of function.
Ovarian cancer. Also called: OVARIAN CANCER, SOMATIC. Identifiers: Orphanet 213500, MedGen C1140680, MONDO:0008170, OMIM 167000.
Hereditary cancer-predisposing syndrome. Also called: Hereditary Cancer Syndrome; Neoplastic Syndromes, Hereditary; Tumor predisposition; Hereditary neoplastic syndrome. Identifiers: Orphanet 140162, MedGen C0027672, MeSH D009386, MONDO:0015356.

Allele frequency attached by ClinVar (database versions not stated): gnomAD exomes below 0.00001; gnomAD 0.00001.

Submissions (4):

Labcorp Genetics (formerly Invitae), Labcorp
Classification: Uncertain significance for Familial adenomatous polyposis 1. Last evaluated: 2025-12-08. Review status: criteria provided, single submitter. Criteria: Invitae Variant Classification Sherloc (09022015). Collection method: clinical testing. Allele origin: germline.
Comment: This sequence change replaces threonine, which is neutral and polar, with serine, which is neutral and polar, at codon 1496 of the APC protein (p.Thr1496Ser). This variant is present in population databases (rs2229996, gnomAD 0.01%). This variant has not been reported in the literature in individuals affected with APC-related conditions. ClinVar contains an entry for this variant (Variation ID: 490277). Invitae Evidence Modeling of protein sequence and biophysical properties (such as structural, functional, and spatial information, amino acid conservation, physicochemical variation, residue mobility, and thermodynamic stability) indicates that this missense variant is not expected to disrupt APC protein function with a negative predictive value of 95%. In summary, the available evidence is currently insufficient to determine the role of this variant in disease. Therefore, it has been classified as a Variant of Uncertain Significance.

Ambry Genetics
Classification: Likely benign for Hereditary cancer-predisposing syndrome. Last evaluated: 2022-02-17. Review status: criteria provided, single submitter. Criteria: Ambry Variant Classification Scheme 2023. Collection method: clinical testing. Allele origin: germline.

Laboratory of Molecular Epidemiology of Birth Defects, West China Second University Hospital, Sichuan University
Classification: Likely pathogenic for Ovarian cancer. Last evaluated: 2022-01-01. Review status: criteria provided, single submitter. Criteria: ACMG Guidelines, 2015. Collection method: clinical testing. Allele origin: germline. Affected: yes.

Color Diagnostics, LLC DBA Color Health
Classification: Uncertain significance for Hereditary cancer-predisposing syndrome. Last evaluated: 2021-02-18. Review status: criteria provided, single submitter. Criteria: ACMG Guidelines, 2015. Collection method: clinical testing. Allele origin: germline.
Comment: This missense variant replaces threonine with serine at codon 1496 of the APC protein. Computational prediction suggests that this variant may not impact protein structure and function (internally defined REVEL score threshold <= 0.5, PMID: 27666373). Splice site prediction tools suggest that this variant may not impact RNA splicing. To our knowledge, functional studies have not been performed for this variant. This variant has not been reported in individuals affected with hereditary cancer in the literature. This variant has been identified in 2/250300 chromosomes in the general population by the Genome Aggregation Database (gnomAD). The available evidence is insufficient to determine the role of this variant in disease conclusively. Therefore, this variant is classified as a Variant of Uncertain Significance.